The following is an entry in ClinVar:

NM_015450.3(POT1):c.1698C>G (p.Phe566Leu)

Gene: POT1 (protection of telomeres 1; minus strand). Cytogenetic location: 7q31.33.
Variant type: single nucleotide variant.
Coding change: c.1698C>G on transcript NM_015450.3 (MANE Select); coding-DNA position 1698, C replaced by G.
Protein change: p.Phe566Leu; replaces phenylalanine 566 with leucine.
Molecular consequence: missense variant. On other transcripts: non-coding transcript variant (3).
Genome position (GRCh38, 1-based): chr7:124,825,346, G>C on the plus strand (C>G on the coding strand, the complement: POT1 is on the minus strand). VCF-style: chr7-124825346-G-C. GRCh37 (hg19) VCF-style: chr7-124465400-G-C.
Other names: c.1305C>G, p.Phe435Leu (NM_001042594.2); short protein forms F435L, F566L.
Identifiers: ClinVar variation 2585761 (VCV002585761.2), dbSNP rs2485338674, ClinGen allele CA369062545.

ClinVar aggregate classification (germline): Uncertain significance (1 of 4 stars; one submission).

Conditions:
Hereditary cancer-predisposing syndrome. Also called: Hereditary neoplastic syndrome; Tumor predisposition; Hereditary Cancer Syndrome; Neoplastic Syndromes, Hereditary. Identifiers: Orphanet 140162, MedGen C0027672, MeSH D009386, MONDO:0015356.

Submission:

Ambry Genetics
Classification: Uncertain significance for Hereditary cancer-predisposing syndrome. Last evaluated: 2023-07-23. Review status: criteria provided, single submitter. Criteria: Ambry Variant Classification Scheme 2023. Collection method: clinical testing. Allele origin: germline.
Comment: The p.F566L variant (also known as c.1698C>G), located in coding exon 14 of the POT1 gene, results from a C to G substitution at nucleotide position 1698. The phenylalanine at codon 566 is replaced by leucine, an amino acid with highly similar properties. This amino acid position is conserved. In addition, the in silico prediction for this alteration is inconclusive. Since supporting evidence is limited at this time, the clinical significance of this alteration remains unclear.